The following is an entry in ClinVar:

NM_020949.3(SLC7A14):c.808A>G (p.Ile270Val)

Genes: SLC7A14 (solute carrier family 7 member 14; minus strand), SLC7A14-AS1 (SLC7A14 antisense RNA 1; plus strand). Cytogenetic location: 3q26.2.
Variant type: single nucleotide variant.
Coding change: c.808A>G on transcript NM_020949.3 (MANE Select); coding-DNA position 808, A replaced by G.
Protein change: p.Ile270Val; replaces isoleucine 270 with valine.
Molecular consequence: missense variant.
Genome position (GRCh38, 1-based): chr3:170,486,320, T>C on the plus strand (A>G on the coding strand, the complement: SLC7A14 is on the minus strand). VCF-style: chr3-170486320-T-C. GRCh37 (hg19) VCF-style: chr3-170204109-T-C.
Other names: c.808A>G (NM_020949.2); short protein forms I270V.
Identifiers: ClinVar variation 1476263 (VCV001476263.8), dbSNP rs750998486, ClinGen allele CA2701803.

ClinVar aggregate classification (germline): Uncertain significance. Review status: criteria provided, multiple submitters, no conflicts (2 of 4 stars). 2 submissions from 2 submitters: Uncertain significance (2). Last evaluated 2025-10-22.

Allele frequency attached by ClinVar (database versions not stated): gnomAD exomes 0.00001; TOPMed 0.00001; ExAC 0.00002; gnomAD 0.00002.
gnomAD v4.1: 13 of 1,614,090 alleles (0.00081%); highest among the groups gnomAD compares: Middle Eastern, 0.016%; no homozygotes.

Submissions (2):

Ambry Genetics
Classification: Uncertain significance. Last evaluated: 2025-10-22. Review status: criteria provided, single submitter. Criteria: Ambry Variant Classification Scheme 2023. Collection method: clinical testing. Allele origin: germline.

Labcorp Genetics (formerly Invitae), Labcorp
Classification: Uncertain significance. Last evaluated: 2025-06-17. Review status: criteria provided, single submitter. Criteria: Invitae Variant Classification Sherloc (09022015). Collection method: clinical testing. Allele origin: germline.
Comment: This sequence change replaces isoleucine, which is neutral and non-polar, with valine, which is neutral and non-polar, at codon 270 of the SLC7A14 protein (p.Ile270Val). This variant is present in population databases (rs750998486, gnomAD 0.002%). This variant has not been reported in the literature in individuals affected with SLC7A14-related conditions. ClinVar contains an entry for this variant (Variation ID: 1476263). An algorithm developed to predict the effect of missense changes on protein structure and function (PolyPhen-2) suggests that this variant is likely to be disruptive. In summary, the available evidence is currently insufficient to determine the role of this variant in disease. Therefore, it has been classified as a Variant of Uncertain Significance.